The following is an entry in ClinVar:

NM_006096.4(NDRG1):c.1052G>A (p.Arg351Gln)

Gene: NDRG1 (N-myc downstream regulated 1; minus strand). Cytogenetic location: 8q24.22.
Variant type: single nucleotide variant.
Coding change: c.1052G>A on transcript NM_006096.4 (MANE Select); coding-DNA position 1052, G replaced by A.
Protein change: p.Arg351Gln; replaces arginine 351 with glutamine.
Molecular consequence: missense variant.
Genome position (GRCh38, 1-based): chr8:133,239,011, C>T on the plus strand (G>A on the coding strand, the complement: NDRG1 is on the minus strand). VCF-style: chr8-133239011-C-T. GRCh37 (hg19) VCF-style: chr8-134251254-C-T.
Other names: c.1052G>A, p.Arg351Gln (NM_001135242.2, NM_001374845.1, NM_001374846.1); c.854G>A, p.Arg285Gln (NM_001258432.2, NM_001374847.1); c.809G>A, p.Arg270Gln (NM_001258433.2); c.1103G>A, p.Arg368Gln (NM_001374844.1); short protein forms R285Q, R270Q, R351Q, R368Q.
Identifiers: ClinVar variation 966130 (VCV000966130.8), dbSNP rs1282857383, ClinGen allele CA372254447.

ClinVar aggregate classification (germline): Uncertain significance. Review status: criteria provided, single submitter (1 of 4 stars). 2 submissions from 2 submitters: Uncertain significance (1). 1 of the submissions does not count toward it. Last evaluated 2022-07-18.

Conditions:
Charcot-Marie-Tooth disease type 4. Also called: Charcot-Marie-Tooth disease, type IV; Charcot-Marie-Tooth, Type 4. Identifiers: Orphanet 64749, MedGen C4082197, MONDO:0018995.
Charcot-Marie-Tooth disease type 4D. Also called: CHARCOT-MARIE-TOOTH DISEASE, DEMYELINATING, TYPE 4D; NEUROPATHY, HEREDITARY MOTOR AND SENSORY, LOM TYPE; CHARCOT-MARIE-TOOTH DISEASE, DEMYELINATING, AUTOSOMAL RECESSIVE, TYPE 4D; Charcot-Marie-Tooth Neuropathy Type 4D. Identifiers: Orphanet 99950, MedGen C1832334, MONDO:0011085, OMIM 601455.

Allele frequency attached by ClinVar (database versions not stated): gnomAD 0.00001; gnomAD exomes 0.00001.
gnomAD v4.1: 9 of 1,597,890 alleles (0.00056%); highest among the groups gnomAD compares: Admixed American, 0.0017%; no homozygotes.

Submissions (2):

Labcorp Genetics (formerly Invitae), Labcorp
Classification: Uncertain significance for Charcot-Marie-Tooth disease type 4. Last evaluated: 2022-07-18. Review status: criteria provided, single submitter. Criteria: Invitae Variant Classification Sherloc (09022015). Collection method: clinical testing. Allele origin: germline.
Comment: This sequence change replaces arginine, which is basic and polar, with glutamine, which is neutral and polar, at codon 351 of the NDRG1 protein (p.Arg351Gln). The frequency data for this variant in the population databases is considered unreliable, as metrics indicate poor data quality at this position in the gnomAD database. This variant has not been reported in the literature in individuals affected with NDRG1-related conditions. ClinVar contains an entry for this variant (Variation ID: 966130). Algorithms developed to predict the effect of missense changes on protein structure and function are either unavailable or do not agree on the potential impact of this missense change (SIFT: "Tolerated"; PolyPhen-2: "Possibly Damaging"; Align-GVGD: "Class C0"). In summary, the available evidence is currently insufficient to determine the role of this variant in disease. Therefore, it has been classified as a Variant of Uncertain Significance.

Natera, Inc.
Classification: Uncertain significance for Charcot-Marie-Tooth disease type 4D. Last evaluated: 2020-09-02. Review status: no assertion criteria provided. Collection method: clinical testing. Allele origin: germline. Not counted in ClinVar's aggregate classification.